The following is an entry in ClinVar:

NM_145725.3(TRAF3):c.635C>T (p.Thr212Ile)

Genes: TRAF3 (TNF receptor associated factor 3; plus strand), LOC126862065 (BRD4-independent group 4 enhancer GRCh37_chr14:103352003-103353202; plus strand). Cytogenetic location: 14q32.32.
Variant type: single nucleotide variant.
Coding change: c.635C>T on transcript NM_145725.3 (MANE Select); coding-DNA position 635, C replaced by T.
Protein change: p.Thr212Ile; replaces threonine 212 with isoleucine.
Molecular consequence: missense variant. On other transcripts: intron variant (2).
Genome position (GRCh38, 1-based): chr14:102,886,253, C>T. VCF-style: chr14-102886253-C-T. GRCh37 (hg19) VCF-style: chr14-103352590-C-T.
Other names: c.635C>T, p.Thr212Ile (NM_001385142.1, NM_003300.4, NM_145726.3); c.571-3307C>T (NM_001385143.1); c.570+9728C>T (NM_001199427.2); short protein forms T212I.
Identifiers: ClinVar variation 1374326 (VCV001374326.6), dbSNP rs2139917130, ClinGen allele CA391071616.

ClinVar aggregate classification (germline): Uncertain significance (1 of 4 stars; one submission).

Conditions:
Immunodeficiency 132A. Also called: Herpes simplex encephalitis, susceptibility to, 3. Identifiers: Orphanet 1930, MedGen C3553868, MONDO:0013920, OMIM 614849.

Submission:

Labcorp Genetics (formerly Invitae), Labcorp
Classification: Uncertain significance for Immunodeficiency 132A. Last evaluated: 2021-08-11. Review status: criteria provided, single submitter. Criteria: Invitae Variant Classification Sherloc (09022015). Collection method: clinical testing. Allele origin: germline.
Comment: This variant is not present in population databases (ExAC no frequency). In summary, the available evidence is currently insufficient to determine the role of this variant in disease. Therefore, it has been classified as a Variant of Uncertain Significance. Algorithms developed to predict the effect of missense changes on protein structure and function are either unavailable or do not agree on the potential impact of this missense change (SIFT: "Deleterious"; PolyPhen-2: "Benign"; Align-GVGD: "Class C0"). This variant has not been reported in the literature in individuals affected with TRAF3-related conditions. This sequence change replaces threonine with isoleucine at codon 212 of the TRAF3 protein (p.Thr212Ile). The threonine residue is moderately conserved and there is a moderate physicochemical difference between threonine and isoleucine.